The following is an entry in ClinVar:

NM_005591.4(MRE11):c.280C>T (p.Leu94Phe)

Gene: MRE11 (MRE11 double strand break repair nuclease; minus strand). Cytogenetic location: 11q21.
Variant type: single nucleotide variant.
Coding change: c.280C>T on transcript NM_005591.4 (MANE Select); coding-DNA position 280, C replaced by T.
Protein change: p.Leu94Phe; replaces leucine 94 with phenylalanine.
Molecular consequence: missense variant.
Genome position (GRCh38, 1-based): chr11:94,485,958, G>A on the plus strand (C>T on the coding strand, the complement: MRE11 is on the minus strand). VCF-style: chr11-94485958-G-A. GRCh37 (hg19) VCF-style: chr11-94219124-G-A.
Other names: c.280C>T, p.Leu94Phe (NM_001330347.2, NM_005590.4); short protein forms L94F.
Identifiers: ClinVar variation 1800241 (VCV001800241.2), dbSNP rs2496619153, ClinGen allele CA382379480.

ClinVar aggregate classification (germline): Uncertain significance (1 of 4 stars; one submission).

Conditions:
Hereditary cancer-predisposing syndrome. Also called: Neoplastic Syndromes, Hereditary; Tumor predisposition; Hereditary Cancer Syndrome; Hereditary neoplastic syndrome. Identifiers: Orphanet 140162, MedGen C0027672, MeSH D009386, MONDO:0015356.

Allele frequency attached by ClinVar (database versions not stated): gnomAD exomes below 0.00001.
gnomAD v4.1: 2 of 1,613,346 alleles (0.00012%); highest among the groups gnomAD compares: South Asian, 0.0022%; no homozygotes.

Submission:

Ambry Genetics
Classification: Uncertain significance for Hereditary cancer-predisposing syndrome. Last evaluated: 2020-09-08. Review status: criteria provided, single submitter. Criteria: Ambry Variant Classification Scheme 2023. Collection method: clinical testing. Allele origin: germline.
Comment: The p.L94F variant (also known as c.280C>T), located in coding exon 3 of the MRE11A gene, results from a C to T substitution at nucleotide position 280. The leucine at codon 94 is replaced by phenylalanine, an amino acid with highly similar properties. This amino acid position is poorly conserved in available vertebrate species. In addition, this alteration is predicted to be tolerated by in silico analysis. Since supporting evidence is limited at this time, the clinical significance of this alteration remains unclear.